The following is an entry in ClinVar:

NM_001365480.1(CCDC88A):c.1715A>G (p.Gln572Arg)

Gene: CCDC88A (coiled-coil and HOOK domain protein 88A; minus strand). Cytogenetic location: 2p16.1.
Variant type: single nucleotide variant.
Coding change: c.1715A>G on transcript NM_001365480.1 (MANE Select); coding-DNA position 1715, A replaced by G.
Protein change: p.Gln572Arg; replaces glutamine 572 with arginine.
Molecular consequence: missense variant.
Genome position (GRCh38, 1-based): chr2:55,335,106, T>C on the plus strand (A>G on the coding strand, the complement: CCDC88A is on the minus strand). VCF-style: chr2-55335106-T-C. GRCh37 (hg19) VCF-style: chr2-55562242-T-C.
Other names: c.1715A>G, p.Gln572Arg (NM_001135597.2, NM_001254943.2, NM_018084.5); short protein forms Q572R.
Identifiers: ClinVar variation 1479624 (VCV001479624.8), dbSNP rs2104690802, ClinGen allele CA346902274.

ClinVar aggregate classification (germline): Uncertain significance (1 of 4 stars; one submission).

Allele frequency attached by ClinVar (database versions not stated): gnomAD exomes below 0.00001.
gnomAD v4.1: 1 of 1,593,686 alleles (0.000063%); highest among the groups gnomAD compares: Non-Finnish European, 0.000085%; no homozygotes.

Submission:

Labcorp Genetics (formerly Invitae), Labcorp
Classification: Uncertain significance. Last evaluated: 2022-12-06. Review status: criteria provided, single submitter. Criteria: Invitae Variant Classification Sherloc (09022015). Collection method: clinical testing. Allele origin: germline.
Comment: In summary, the available evidence is currently insufficient to determine the role of this variant in disease. Therefore, it has been classified as a Variant of Uncertain Significance. Algorithms developed to predict the effect of missense changes on protein structure and function are either unavailable or do not agree on the potential impact of this missense change (SIFT: "Deleterious"; PolyPhen-2: "Probably Damaging"; Align-GVGD: "Class C0"). ClinVar contains an entry for this variant (Variation ID: 1479624). This variant has not been reported in the literature in individuals affected with CCDC88A-related conditions. This variant is not present in population databases (gnomAD no frequency). This sequence change replaces glutamine, which is neutral and polar, with arginine, which is basic and polar, at codon 572 of the CCDC88A protein (p.Gln572Arg).